The following is an entry in ClinVar:

ClinVar aggregate classification (germline): Benign. Review status: criteria provided, multiple submitters, no conflicts (2 of 4 stars). 7 submissions from 7 submitters: Benign (6). 1 of the submissions does not count toward it. Last evaluated 2026-02-03.

Conditions:
Loeys-Dietz syndrome 2 (LDS2). Also called: TGFBR2-Related Loeys-Dietz Syndrome; Marfan syndrome, type 2 (formerly); AORTIC ANEURYSM, FAMILIAL THORACIC 3; MARFAN SYNDROME, TYPE II; Marfan Syndrome type 2; Marfan like connective tissue disorder. Identifiers: Orphanet 284973, Orphanet 558, MedGen C2674574, MONDO:0012427, OMIM 610168.
Cardiomyopathy (CMYO). Also called: Cardiomyopathies. Identifiers: Orphanet 167848, MedGen C0878544, MONDO:0004994, HP:0001638. Inheritance: Various modes of inheritance.

Allele frequency attached by ClinVar (database versions not stated): ExAC 0.00561; gnomAD 0.01742; 1000 Genomes Project 30x 0.01889; TOPMed 0.01889; ESP Exome Variant Server 0.01907; 1000 Genomes Project 0.01917; gnomAD exomes 0.00465.
gnomAD v4.1: 5,595 of 1,614,158 alleles (0.35%); highest among the groups gnomAD compares: African/African-American, 6.1%; 141 homozygotes.

Submissions (7):

Labcorp Genetics (formerly Invitae), Labcorp
Classification: Benign for Loeys-Dietz syndrome 2. Last evaluated: 2026-02-03. Review status: criteria provided, single submitter. Criteria: Invitae Variant Classification Sherloc (09022015). Collection method: clinical testing. Allele origin: germline.

Ambry Genetics
Classification: Benign. Last evaluated: 2015-10-01. Review status: criteria provided, single submitter. Criteria: Ambry Variant Classification Scheme 2023. Collection method: clinical testing. Allele origin: germline.

GeneDx
Classification: Benign. Last evaluated: 2014-03-05. Review status: criteria provided, single submitter. Criteria: GeneDx Variant Classification (06012015). Collection method: clinical testing. Allele origin: germline. Affected: yes.
Comment: This variant is considered likely benign or benign based on one or more of the following criteria: it is a conservative change, it occurs at a poorly conserved position in the protein, it is predicted to be benign by multiple in silico algorithms, and/or has population frequency not consistent with disease.

Biesecker Lab/Clinical Genomics Section, National Institutes of Health
Classification: Benign. Last evaluated: 2013-06-24. Review status: criteria provided, single submitter. Criteria: Ng et al. (Circ Cardiovasc Genet. 2013). Collection method: research. Allele origin: unknown. Observed: 2 variant alleles. Study: ClinSeq.
Comment: The study set was not selected for affection status in relation to any cancer. Pathogenicity categories were based on literature curation. See Pubmed ID:23861362 for details.

Medical sequencing

Laboratory for Molecular Medicine, Mass General Brigham Personalized Medicine
Classification: Benign. Last evaluated: 2012-03-19. Review status: criteria provided, single submitter. Criteria: LMM Criteria. Collection method: clinical testing. Allele origin: germline. Observed: 16 variant alleles.
Comment: p.Leu238Arg in Exon 04 of TMPO: This variant is not expected to have clinical si gnificance because it has been identified in 5.4% (200/3738) of African American chromosomes from a broad population by the NHLBI Exome Sequencing Project (dbSNP rs35998138).

Breakthrough Genomics
Classification: Benign. Review status: criteria provided, single submitter. Criteria: ACMG Guidelines, 2015. Collection method: not provided. Allele origin: germline. Inheritance: Unknown mechanism. Affected: yes.

Women's Health and Genetics/Laboratory Corporation of America, LabCorp
Classification: Benign for Cardiomyopathy. Last evaluated: 2013-05-10. Review status: no assertion criteria provided. Collection method: clinical testing. Allele origin: germline. Not counted in ClinVar's aggregate classification.

NM_001032283.3(TMPO):c.565+1132T>G

Gene: TMPO (thymopoietin; plus strand). Cytogenetic location: 12q23.1.
Variant type: single nucleotide variant.
Coding change: c.565+1132T>G on transcript NM_001032283.3 (MANE Select); 1132 bases into the intron after coding-DNA position 565, T replaced by G.
Molecular consequence: intron variant. On other transcripts: missense variant (1).
Genome position (GRCh38, 1-based): chr12:98,532,970, T>G. VCF-style: chr12-98532970-T-G. GRCh37 (hg19) VCF-style: chr12-98926748-T-G.
Other names: p.L238R:CTA>CGA; c.713T>G, p.Leu238Arg (NM_003276.2); c.565+1132T>G (NM_001307975.2, NM_001032284.3); short protein forms L238R.
Identifiers: ClinVar variation 36875 (VCV000036875.21), dbSNP rs35998138, ClinGen allele CA282436.
Genomic context (GRCh38, chr12:98,532,970, plus strand): 5'-TTTTTCAGGGTATTTCTTTTCCTGAAATCTCCACCCGTCCTCCTTTGGGCAGTACCGAAC[T>G]ACAGGCAGCTAAGAAAGTACATACTTCTAAGGGAGACCTACCTAGGGAGCCTCTTGTTGC-3'